The following is an entry in ClinVar:

ClinVar aggregate classification (germline): Uncertain significance (1 of 4 stars; one submission).

Conditions:
Cardiovascular phenotype. Identifiers: MedGen CN230736.

Allele frequency attached by ClinVar (database versions not stated): ExAC 0.00001.
gnomAD v4.1: 1 of 1,614,188 alleles (0.000062%); highest among the groups gnomAD compares: Non-Finnish European, 0.000085%; no homozygotes.

Submission:

Ambry Genetics
Classification: Uncertain significance for Cardiovascular phenotype. Last evaluated: 2023-09-15. Review status: criteria provided, single submitter. Criteria: Ambry Variant Classification Scheme 2023. Collection method: clinical testing. Allele origin: germline.
Comment: The p.P1186S variant (also known as c.3556C>T), located in coding exon 26 of the JAG1 gene, results from a C to T substitution at nucleotide position 3556. The proline at codon 1186 is replaced by serine, an amino acid with similar properties. This amino acid position is conserved. In addition, the in silico prediction for this alteration is inconclusive. Since supporting evidence is limited at this time, the clinical significance of this alteration remains unclear.

NM_000214.3(JAG1):c.3556C>T (p.Pro1186Ser)

Gene: JAG1 (jagged canonical Notch ligand 1; minus strand). Cytogenetic location: 20p12.2.
Variant type: single nucleotide variant.
Coding change: c.3556C>T on transcript NM_000214.3 (MANE Select); coding-DNA position 3556, C replaced by T.
Protein change: p.Pro1186Ser; replaces proline 1186 with serine.
Molecular consequence: missense variant.
Genome position (GRCh38, 1-based): chr20:10,639,599, G>A on the plus strand (C>T on the coding strand, the complement: JAG1 is on the minus strand). VCF-style: chr20-10639599-G-A. GRCh37 (hg19) VCF-style: chr20-10620247-G-A.
Other names: short protein forms P1186S.
Identifiers: ClinVar variation 3230622 (VCV003230622.1), dbSNP rs779605827, ClinGen allele CA9764189.